The following is an entry in ClinVar:

ClinVar aggregate classification (germline): Likely benign (1 of 4 stars; one submission).

Allele frequency attached by ClinVar (database versions not stated): gnomAD 0.00133; gnomAD exomes 0.00139; 1000 Genomes Project 30x 0.00187; 1000 Genomes Project 0.00200; TOPMed 0.00213; ExAC 0.00312.
gnomAD v4.1: 1,006 of 702,972 alleles (0.14%); highest among the groups gnomAD compares: Middle Eastern, 2.5%; 5 homozygotes.

Submission:

CeGaT Center for Human Genetics Tuebingen
Classification: Likely benign. Last evaluated: 2023-02-01. Review status: criteria provided, single submitter. Criteria: CeGaT Center For Human Genetics Tuebingen Variant Classification Criteria Version 2. Collection method: clinical testing. Allele origin: germline. Affected: yes. Observed: 1 variant allele.
Comment: MYO15B: BP4, BP7, BS2

NM_001395058.1(MYO15B):c.4440A>G (p.Pro1480=)

Gene: MYO15B (myosin XVB; plus strand). Cytogenetic location: 17q25.1.
Variant type: single nucleotide variant.
Coding change: c.4440A>G on transcript NM_001395058.1 (MANE Select); coding-DNA position 4440, A replaced by G.
Protein change: p.Pro1480=; no amino-acid change (proline 1480 retained).
Molecular consequence: synonymous variant.
Genome position (GRCh38, 1-based): chr17:75,610,953, A>G. VCF-style: chr17-75610953-A-G. GRCh37 (hg19) VCF-style: chr17-73607034-A-G.
Other names: c.4326A>G, p.Pro1442= (NM_001309242.2).
Identifiers: ClinVar variation 2648271 (VCV002648271.24), dbSNP rs192554995, ClinGen allele CA8766125.
Genomic context (GRCh38, chr17:75,610,953, plus strand): 5'-CCAACAGCTTGGGCGTTGGCAGGGCTGGCATAGCAGCGAAAGGGCCTTGGAGAGAGTGCC[A>G]AGCATGGTAGGTGGCCTGGAAAGTGGGGGGTTTTACATGGGGCTATGAACCTGCTGAGAC-3'
Protein context (NP_001381987.1, residues 1470-1490): HSSERALERV[Pro1480=]SMELGRLEIP